The following is an entry in ClinVar:

NM_005816.5(CD96):c.689C>T (p.Ser230Phe)

Gene: CD96 (CD96 molecule; plus strand). Cytogenetic location: 3q13.13.
Variant type: single nucleotide variant.
Coding change: c.689C>T on transcript NM_005816.5 (MANE Select); coding-DNA position 689, C replaced by T.
Protein change: p.Ser230Phe; replaces serine 230 with phenylalanine.
Molecular consequence: missense variant. On other transcripts: non-coding transcript variant (1).
Genome position (GRCh38, 1-based): chr3:111,579,172, C>T. VCF-style: chr3-111579172-C-T. GRCh37 (hg19) VCF-style: chr3-111298019-C-T.
Other names: c.689C>T, p.Ser230Phe (NM_001318889.2); c.737C>T, p.Ser246Phe (NM_198196.3); short protein forms S230F, S246F.
Identifiers: ClinVar variation 1314282 (VCV001314282.3), dbSNP rs2107584068, ClinGen allele CA353957458.

ClinVar aggregate classification (germline): Uncertain significance (1 of 4 stars; one submission).

Submission:

GeneDx
Classification: Uncertain significance. Last evaluated: 2026-08-27. Review status: criteria provided, single submitter. Criteria: GeneDx Variant Classification Process June 2021. Collection method: clinical testing. Allele origin: germline.
Comment: Not observed at significant frequency in large population cohorts (gnomAD); In silico analysis suggests that this missense variant does not alter protein structure/function; Has not been previously published as pathogenic or benign to our knowledge; Variants in candidate genes are classified as variants of uncertain significance in accordance with ACMG guidelines (PMID: 25741868)